The following is an entry in ClinVar:

NM_000069.3(CACNA1S):c.1827+3A>G

Gene: CACNA1S (calcium voltage-gated channel subunit alpha1 S; minus strand). Cytogenetic location: 1q32.1.
Variant type: single nucleotide variant.
Coding change: c.1827+3A>G on transcript NM_000069.3 (MANE Select); 3 bases into the intron after coding-DNA position 1827, A replaced by G.
Molecular consequence: intron variant.
Genome position (GRCh38, 1-based): chr1:201,076,917, T>C on the plus strand (A>G on the coding strand, the complement: CACNA1S is on the minus strand). VCF-style: chr1-201076917-T-C. GRCh37 (hg19) VCF-style: chr1-201046045-T-C.
Identifiers: ClinVar variation 387485 (VCV000387485.2), dbSNP rs1057522801, ClinGen allele CA16603513.

ClinVar aggregate classification (germline): Uncertain significance (1 of 4 stars; one submission).

Allele frequency attached by ClinVar (database versions not stated): gnomAD exomes below 0.00001.
gnomAD v4.1: 1 of 1,613,878 alleles (0.000062%); highest among the groups gnomAD compares: South Asian, 0.0011%; no homozygotes.

Submission:

GeneDx
Classification: Uncertain significance. Last evaluated: 2016-07-25. Review status: criteria provided, single submitter. Criteria: GeneDx Variant Classification (06012015). Collection method: clinical testing. Allele origin: germline. Affected: yes.
Comment: A variant of uncertain significance has been identified in the CACNA1S gene. The c.1827+3 A>G variant has not been published as a pathogenic variant, nor has it been reported as a benign variant to our knowledge. It was not observed in approximately 6,500 individuals of European and African American ancestry in the NHLBI Exome Sequencing Project, indicating it is not a common benign variant in these populations. Several in-silico splice prediction models predict that c.1827+3 A>G reduces the natural splice donor site in intron 12 which may lead to abnormal gene splicing. However, in the absence of RNA/functional studies, the actual effect of this sequence change in this individual is unknown. Therefore, based on the currently available information, it is unclear whether this variant is a pathogenic variant or a rare benign variant.